The following is an entry in ClinVar:

ClinVar aggregate classification (germline): Uncertain significance (1 of 4 stars; one submission).

Submission:

GeneDx
Classification: Uncertain significance. Last evaluated: 2026-03-26. Review status: criteria provided, single submitter. Criteria: GeneDx Variant Classification Process June 2021. Collection method: clinical testing. Allele origin: germline.
Comment: Nucleotide is not conserved across species and the substitution has no predicted effect on splicing; Located in a regulatory region; in the absence of functional studies, the actual effect of this sequence change is unknown; No data available from control populations to assess the frequency of this variant; Has not been previously published as pathogenic or benign to our knowledge

NM_018014.4(BCL11A):c.*1716_*1742delinsTTT

Gene: BCL11A (BCL11 transcription factor A; minus strand). Cytogenetic location: 2p16.1.
Variant type: Indel.
Coding change: c.*1716_*1742delinsTTT on transcript NM_018014.4; 1716 bases downstream of the stop codon through 1742 bases downstream of the stop codon, GGCCTTTGGTAAAGGCATGCAGAGTTG replaced by TTT.
Molecular consequence: 3 prime UTR variant.
Genome position (GRCh38, 1-based): chr2:60,450,833-60,450,859, CAACTCTGCATGCCTTTACCAAAGGCC replaced by AAA on the plus strand (GGCCTTTGGTAAAGGCATGCAGAGTTG replaced by TTT on the coding strand, the reverse complement: BCL11A is on the minus strand). VCF-style: chr2-60450833-CAACTCTGCATGCCTTTACCAAAGGCC-AAA. GRCh37 (hg19) VCF-style: chr2-60677968-CAACTCTGCATGCCTTTACCAAAGGCC-AAA.
Other names: c.*1706_*1732delinsTTT (NM_138559.2).
Identifiers: ClinVar variation 5017647 (VCV005017647.1).